The following is an entry in ClinVar:

NM_005732.4(RAD50):c.3869A>C (p.Lys1290Thr)

Genes: TH2LCRR (T helper type 2 locus control region associated RNA; minus strand), RAD50 (RAD50 double strand break repair protein; plus strand). Cytogenetic location: 5q31.1.
Variant type: single nucleotide variant.
Coding change: c.3869A>C on transcript NM_005732.4 (MANE Select); coding-DNA position 3869, A replaced by C.
Protein change: p.Lys1290Thr; replaces lysine 1290 with threonine.
Molecular consequence: missense variant.
Genome position (GRCh38, 1-based): chr5:132,642,294, A>C. VCF-style: chr5-132642294-A-C. GRCh37 (hg19) VCF-style: chr5-131977986-A-C.
Other names: short protein forms K1290T.
Identifiers: ClinVar variation 841576 (VCV000841576.11), dbSNP rs1156612738, ClinGen allele CA360937058.

ClinVar aggregate classification (germline): Conflicting classifications of pathogenicity. Review status: criteria provided, conflicting classifications (1 of 4 stars). 2 submissions from 2 submitters: Uncertain significance (1); Benign (1). Last evaluated 2022-01-01.

Conditions:
Ovarian cancer. Also called: OVARIAN CANCER, SOMATIC. Identifiers: Orphanet 213500, MedGen C1140680, MONDO:0008170, OMIM 167000.
Hereditary cancer-predisposing syndrome. Also called: Hereditary Cancer Syndrome; Hereditary neoplastic syndrome; Tumor predisposition; Neoplastic Syndromes, Hereditary. Identifiers: Orphanet 140162, MedGen C0027672, MeSH D009386, MONDO:0015356.

Allele frequency attached by ClinVar (database versions not stated): gnomAD exomes below 0.00001; TOPMed below 0.00001; gnomAD 0.00001.
gnomAD v4.1: 2 of 1,613,984 alleles (0.00012%); highest among the groups gnomAD compares: East Asian, 0.0045%; no homozygotes.

Submissions (2):

Laboratory of Molecular Epidemiology of Birth Defects, West China Second University Hospital, Sichuan University
Classification: Benign for Ovarian cancer. Last evaluated: 2022-01-01. Review status: criteria provided, single submitter. Criteria: ACMG Guidelines, 2015. Collection method: clinical testing. Allele origin: germline. Affected: yes.

Labcorp Genetics (formerly Invitae), Labcorp
Classification: Uncertain significance for Hereditary cancer-predisposing syndrome. Last evaluated: 2019-04-17. Review status: criteria provided, single submitter. Criteria: Invitae Variant Classification Sherloc (09022015). Collection method: clinical testing. Allele origin: germline.
Comment: In summary, the available evidence is currently insufficient to determine the role of this variant in disease. Therefore, it has been classified as a Variant of Uncertain Significance. Algorithms developed to predict the effect of missense changes on protein structure and function (SIFT, PolyPhen-2, Align-GVGD) all suggest that this variant is likely to be tolerated, but these predictions have not been confirmed by published functional studies and their clinical significance is uncertain. This variant has not been reported in the literature in individuals with RAD50-related conditions. This variant is not present in population databases (ExAC no frequency). This sequence change replaces lysine with threonine at codon 1290 of the RAD50 protein (p.Lys1290Thr). The lysine residue is weakly conserved and there is a moderate physicochemical difference between lysine and threonine.